The following is an entry in ClinVar:

ClinVar aggregate classification (germline): Uncertain significance. Review status: criteria provided, multiple submitters, no conflicts (2 of 4 stars). 3 submissions from 3 submitters: Uncertain significance (3). Last evaluated 2026-04-08.

Conditions:
Hereditary cancer-predisposing syndrome. Also called: Tumor predisposition; Hereditary neoplastic syndrome; Neoplastic Syndromes, Hereditary; Hereditary Cancer Syndrome. Identifiers: Orphanet 140162, MedGen C0027672, MeSH D009386, MONDO:0015356.
Fanconi anemia complementation group O. Also called: RAD51C-Related Fanconi Anemia. Identifiers: Orphanet 84, MedGen C3150653, MONDO:0013248, OMIM 613390.
Breast-ovarian cancer, familial, susceptibility to, 3. Also called: RAD51C-Related Breast/Ovarian Cancer. Identifiers: Orphanet 145, MedGen C3150659, MONDO:0013253, OMIM 613399.

Submissions (3):

Ambry Genetics
Classification: Uncertain significance for Hereditary cancer-predisposing syndrome. Last evaluated: 2026-04-08. Review status: criteria provided, single submitter. Criteria: Ambry Variant Classification Scheme 2023. Collection method: clinical testing. Allele origin: germline.
Comment: The p.D141V variant (also known as c.422A>T), located in coding exon 3 of the RAD51C gene, results from an A to T substitution at nucleotide position 422. The aspartic acid at codon 141 is replaced by valine, an amino acid with highly dissimilar properties. This amino acid position is highly conserved in available vertebrate species. In addition, the in silico prediction for this alteration is inconclusive. Based on the available evidence, the clinical significance of this variant remains unclear.

Labcorp Genetics (formerly Invitae), Labcorp
Classification: Uncertain significance for Fanconi anemia complementation group O. Last evaluated: 2025-04-17. Review status: criteria provided, single submitter. Criteria: Invitae Variant Classification Sherloc (09022015). Collection method: clinical testing. Allele origin: germline.
Comment: This sequence change replaces aspartic acid, which is acidic and polar, with valine, which is neutral and non-polar, at codon 141 of the RAD51C protein (p.Asp141Val). This variant is not present in population databases (gnomAD no frequency). This variant has not been reported in the literature in individuals affected with RAD51C-related conditions. ClinVar contains an entry for this variant (Variation ID: 2678167). Invitae Evidence Modeling of protein sequence and biophysical properties (such as structural, functional, and spatial information, amino acid conservation, physicochemical variation, residue mobility, and thermodynamic stability) indicates that this missense variant is expected to disrupt RAD51C protein function with a positive predictive value of 80%. In summary, the available evidence is currently insufficient to determine the role of this variant in disease. Therefore, it has been classified as a Variant of Uncertain Significance.

Baylor Genetics
Classification: Uncertain significance for Breast-ovarian cancer, familial, susceptibility to, 3. Last evaluated: 2023-06-23. Review status: criteria provided, single submitter. Criteria: ACMG Guidelines, 2015. Collection method: clinical testing. Allele origin: unknown.

NM_058216.3(RAD51C):c.422A>T (p.Asp141Val)

Gene: RAD51C (RAD51 paralog C; plus strand). Cytogenetic location: 17q22.
Variant type: single nucleotide variant.
Coding change: c.422A>T on transcript NM_058216.3 (MANE Select); coding-DNA position 422, A replaced by T.
Protein change: p.Asp141Val; replaces aspartic acid 141 with valine.
Molecular consequence: missense variant.
Genome position (GRCh38, 1-based): chr17:58,696,710, A>T. VCF-style: chr17-58696710-A-T. GRCh37 (hg19) VCF-style: chr17-56774071-A-T.
Other names: short protein forms D141V.
Identifiers: ClinVar variation 2678167 (VCV002678167.3), dbSNP rs376494695, ClinGen allele CA400343881.